The following is an entry in ClinVar:

NM_004380.3(CREBBP):c.1316A>T (p.Lys439Met)

Gene: CREBBP (CREB binding lysine acetyltransferase; minus strand). Cytogenetic location: 16p13.3.
Variant type: single nucleotide variant.
Coding change: c.1316A>T on transcript NM_004380.3 (MANE Select); coding-DNA position 1316, A replaced by T.
Protein change: p.Lys439Met; replaces lysine 439 with methionine.
Molecular consequence: missense variant. On other transcripts: intron variant (1).
Genome position (GRCh38, 1-based): chr16:3,791,995, T>A on the plus strand (A>T on the coding strand, the complement: CREBBP is on the minus strand). VCF-style: chr16-3791995-T-A. GRCh37 (hg19) VCF-style: chr16-3841996-T-A.
Other names: c.1216+1391A>T (NM_001079846.1); short protein forms K439M.
Identifiers: ClinVar variation 4869408 (VCV004869408.1).

ClinVar aggregate classification (germline): Uncertain significance (1 of 4 stars; one submission).

Conditions:
Inborn genetic diseases. Identifiers: MedGen C0950123, MeSH D030342.

gnomAD v4.1: 5 of 1,613,866 alleles (0.00031%); highest among the groups gnomAD compares: Non-Finnish European, 0.00034%; no homozygotes.

Submission:

Ambry Genetics
Classification: Uncertain significance for Inborn genetic diseases. Last evaluated: 2026-03-26. Review status: criteria provided, single submitter. Criteria: Ambry Variant Classification Scheme 2023. Collection method: clinical testing. Allele origin: germline.
Comment: The c.1316A>T (p.K439M) alteration is located in exon 5 (coding exon 5) of the CREBBP gene. This alteration results from a A to T substitution at nucleotide position 1316, causing the lysine (K) at amino acid position 439 to be replaced by a methionine (M). Based on data from gnomAD, the T allele has an overall frequency of 0.003% (1/31404) total alleles studied. The highest observed frequency was 0.007% (1/15430) of European (non-Finnish) alleles. Based on insufficient or conflicting evidence, the clinical significance of this alteration remains unclear.